The following is an entry in ClinVar:

NM_053025.4(MYLK):c.1450A>G (p.Thr484Ala)

Gene: MYLK (myosin light chain kinase; minus strand). Cytogenetic location: 3q21.1.
Variant type: single nucleotide variant.
Coding change: c.1450A>G on transcript NM_053025.4 (MANE Select); coding-DNA position 1450, A replaced by G.
Protein change: p.Thr484Ala; replaces threonine 484 with alanine.
Molecular consequence: missense variant. On other transcripts: intron variant (2).
Genome position (GRCh38, 1-based): chr3:123,732,962, T>C on the plus strand (A>G on the coding strand, the complement: MYLK is on the minus strand). VCF-style: chr3-123732962-T-C. GRCh37 (hg19) VCF-style: chr3-123451809-T-C.
Other names: c.922A>G, p.Thr308Ala (NM_001321309.2); c.1450A>G, p.Thr484Ala (NM_053027.4); c.1309+725A>G (NM_053028.4, NM_053026.4); short protein forms T308A, T484A.
Identifiers: ClinVar variation 3673780 (VCV003673780.2).
Genomic context (GRCh38, chr3:123,732,962, plus strand): 5'-CTTGGAGGGTCCAGCTACAGGACAGCTGGCCTTGGGCGTTGGAAGCAGTGCAGCTGTATG[T>C]CCCACTGTCCCTGGTCCGGGCTTTCAGCAGGCAGAGGTAATGGGAGCCAGCATCTTCATA-3'
Protein context (NP_444253.3, residues 474-494): LLKARTRDSG[Thr484Ala]YSCTASNAQG

ClinVar aggregate classification (germline): Uncertain significance (1 of 4 stars; one submission).

Conditions:
Aortic aneurysm, familial thoracic 7 (AAT7). Also called: AORTIC DISSECTION, FAMILIAL, WITH OR WITHOUT AORTIC ANEURYSM. Identifiers: MedGen C3151077, MONDO:0013418, OMIM 613780.

gnomAD v4.1: 1 of 1,614,180 alleles (0.000062%); highest among the groups gnomAD compares: East Asian, 0.0022%; no homozygotes.

Submission:

Labcorp Genetics (formerly Invitae), Labcorp
Classification: Uncertain significance for Aortic aneurysm, familial thoracic 7. Last evaluated: 2024-03-26. Review status: criteria provided, single submitter. Criteria: Invitae Variant Classification Sherloc (09022015). Collection method: clinical testing. Allele origin: germline.
Comment: This sequence change replaces threonine, which is neutral and polar, with alanine, which is neutral and non-polar, at codon 484 of the MYLK protein (p.Thr484Ala). This variant is present in population databases (no rsID available, gnomAD 0.006%). This variant has not been reported in the literature in individuals affected with MYLK-related conditions. Advanced modeling of protein sequence and biophysical properties (such as structural, functional, and spatial information, amino acid conservation, physicochemical variation, residue mobility, and thermodynamic stability) performed at Invitae indicates that this missense variant is not expected to disrupt MYLK protein function with a negative predictive value of 95%. In summary, the available evidence is currently insufficient to determine the role of this variant in disease. Therefore, it has been classified as a Variant of Uncertain Significance.